The following is an entry in ClinVar:

NM_001367721.1(CASK):c.2581_2584del (p.Thr861fs)

Gene: CASK (calcium/calmodulin dependent serine protein kinase; minus strand). Cytogenetic location: Xp11.4.
Variant type: Deletion.
Coding change: c.2581_2584del on transcript NM_001367721.1 (MANE Select); coding-DNA positions 2581 to 2584, 4 bases deleted (ACTA; older notation c.2581_2584delACTA).
Protein change: p.Thr861fs; shifts the reading frame from threonine 861.
Molecular consequence: frameshift variant.
Genome position (GRCh38, 1-based): chrX:41,523,971-41,523,974, TAGT deleted on the plus strand (ACTA on the coding strand, the reverse complement: CASK is on the minus strand); deleting any 4 consecutive bases within chrX:41,523,971-41,523,975 gives the same sequence; the c. name uses the placement nearest the transcript's 3' end. VCF-style (leftmost placement, unchanged base first): chrX-41523970-ATAGT-A. GRCh37 (hg19) VCF-style: chrX-41383223-ATAGT-A.
Other names: c.2497_2500del, p.Thr833fs (NM_001126054.3); c.2494_2497del, p.Thr832fs (NM_001126055.3); c.2563_2566del, p.Thr855fs (NM_001410745.1); c.2566_2569del, p.Thr856fs (NM_003688.4); short protein forms T832fs, T833fs, T855fs, T856fs, T861fs.
Identifiers: ClinVar variation 4888367 (VCV004888367.1).

ClinVar aggregate classification (germline): Likely pathogenic (1 of 4 stars; one submission).

Conditions:
Syndromic X-linked intellectual disability Najm type (MICPCH). Also called: Mental retardation and microcephaly with pontine and cerebellar hypoplasia; MENTAL RETARDATION, X-LINKED, SYNDROMIC, NAJM TYPE; Intellectual Disability and Microcephaly with Pontine and Cerebellar Hypoplasia; Intellectual Disability and Microcephaly with Pontine and Cerebellar Hypoplasia (MICPCH); MICPCH SYNDROME; Intellectual developmental disorder and microcephaly with pontine and cerebellar hypoplasia. Identifiers: Orphanet 163937, MedGen C2677903, MONDO:0010417, OMIM 300749.

Submission:

New York Genome Center
Classification: Likely pathogenic for Syndromic X-linked intellectual disability Najm type. Last evaluated: 2025-05-09. Review status: criteria provided, single submitter. Criteria: NYGC Assertion Criteria 2020. Collection method: clinical testing. Allele origin: de novo. Affected: yes. Observed: 1 variant allele, 1 heterozygote.
Comment: The c.2581_2584del p.(Thr861LeufsTer5) variant identified in CASK has not previously been reported in the literature nor has it been deposited in ClinVar, and it is absent from population databases (gnomADv4.1.0, TOPMed Freeze 10, All of Us), suggesting it is not a common benign variant in the populations represented in those databases. The c.2581_2584del variant is located in exon 26 of this 27-exon gene and is predicted to result in incorporating a premature stop codon upon causing frameshift (p.( Thr861LeufsTer5)), escape nonsense mediated decay and lead to the loss of approximately 7% ofthe coding sequence of CASK. While this variant has not previously been reported, it is located in the guanylate kinase (GK) domain and other loss-of-function variants have been reported downstream in individuals with CASK-related disorders [PMID: 20029458, 33090494, 21735175, 36305856]. Based on available evidence, this de novo heterozygous c.2581_2584del p.(Thr861LeufsTer5) variant identified in CASK is classified as Likely Pathogenic.